The following is an entry in ClinVar:

NM_001353812.2(ATP11C):c.559C>A (p.His187Asn)

Gene: ATP11C (ATPase phospholipid transporting 11C (ATP11C blood group); minus strand). Cytogenetic location: Xq27.1.
Variant type: single nucleotide variant.
Coding change: c.559C>A on transcript NM_001353812.2 (MANE Select); coding-DNA position 559, C replaced by A.
Protein change: p.His187Asn; replaces histidine 187 with asparagine.
Molecular consequence: missense variant.
Genome position (GRCh38, 1-based): chrX:139,802,336, G>T on the plus strand (C>A on the coding strand, the complement: ATP11C is on the minus strand). VCF-style: chrX-139802336-G-T. GRCh37 (hg19) VCF-style: chrX-138884495-G-T.
Other names: c.568C>A, p.His190Asn (NM_001010986.3, NM_173694.5); c.559C>A, p.His187Asn (NM_001353810.2, NM_001353811.2); short protein forms H187N, H190N.
Identifiers: ClinVar variation 2266203 (VCV002266203.27), dbSNP rs199612746, ClinGen allele CA10531211.

ClinVar aggregate classification (germline): Conflicting classifications of pathogenicity. Review status: criteria provided, conflicting classifications (1 of 4 stars). 3 submissions from 3 submitters: Uncertain significance (1); Likely benign (1). 1 of the submissions does not count toward it. Last evaluated 2024-07-01.

Conditions:
ATP11C-related disorder. Also called: ATP11C-related condition.

Allele frequency attached by ClinVar (database versions not stated): ESP Exome Variant Server 0.00009; TOPMed 0.00025; gnomAD 0.00035; gnomAD exomes 0.00054; ExAC 0.00062.
gnomAD v4.1: 597 of 1,164,110 alleles (0.051%); highest among the groups gnomAD compares: Non-Finnish European, 0.06%; no homozygotes.

Submissions (3):

CeGaT Center for Human Genetics Tuebingen
Classification: Likely benign. Last evaluated: 2024-07-01. Review status: criteria provided, single submitter. Criteria: CeGaT Center For Human Genetics Tuebingen Variant Classification Criteria Version 2. Collection method: clinical testing. Allele origin: germline. Affected: yes. Observed: 2 variant alleles.
Comment: ATP11C: BS2

Ambry Genetics
Classification: Uncertain significance. Last evaluated: 2022-09-14. Review status: criteria provided, single submitter. Criteria: Ambry Variant Classification Scheme 2023. Collection method: clinical testing. Allele origin: germline.

PreventionGenetics, part of Exact Sciences
Classification: Likely benign for ATP11C-related condition. Last evaluated: 2021-10-19. Review status: no assertion criteria provided. Collection method: clinical testing. Allele origin: germline. Not counted in ClinVar's aggregate classification.
Comment: This variant is classified as likely benign based on ACMG/AMP sequence variant interpretation guidelines (Richards et al. 2015 PMID: 25741868, with internal and published modifications).